The following is an entry in ClinVar:

NM_001128431.4(SLC39A14):c.1332+6T>C

Gene: SLC39A14 (solute carrier family 39 member 14; plus strand). Cytogenetic location: 8p21.3.
Variant type: single nucleotide variant.
Coding change: c.1332+6T>C on transcript NM_001128431.4 (MANE Select); 6 bases into the intron after coding-DNA position 1332, T replaced by C.
Molecular consequence: intron variant.
Genome position (GRCh38, 1-based): chr8:22,417,841, T>C. VCF-style: chr8-22417841-T-C. GRCh37 (hg19) VCF-style: chr8-22275354-T-C.
Other names: c.1332+6T>C (NM_001135154.3, NM_001351656.2, NM_001351655.2 and 3 more transcripts); c.1362+6T>C (NM_001351657.2, NM_001351658.2, NM_001351659.2).
Identifiers: ClinVar variation 1355899 (VCV001355899.5), dbSNP rs374414003, ClinGen allele CA4667574.

ClinVar aggregate classification (germline): Uncertain significance (1 of 4 stars; one submission).

Allele frequency attached by ClinVar (database versions not stated): gnomAD exomes 0.00003 and 0.00012; ExAC 0.00012; gnomAD 0.00023 and 0.00026; TOPMed 0.00028; ESP Exome Variant Server 0.00031; 1000 Genomes Project 0.00040; 1000 Genomes Project 30x 0.00047.
gnomAD v4.1: 71 of 1,611,982 alleles (0.0044%); highest among the groups gnomAD compares: African/African-American, 0.059%; no homozygotes.

Submission:

Labcorp Genetics (formerly Invitae), Labcorp
Classification: Uncertain significance. Last evaluated: 2022-05-07. Review status: criteria provided, single submitter. Criteria: Invitae Variant Classification Sherloc (09022015). Collection method: clinical testing. Allele origin: germline.
Comment: This sequence change falls in intron 8 of the SLC39A14 gene. It does not directly change the encoded amino acid sequence of the SLC39A14 protein. It affects a nucleotide within the consensus splice site. This variant is present in population databases (rs374414003, gnomAD 0.09%). This variant has not been reported in the literature in individuals affected with SLC39A14-related conditions. Variants that disrupt the consensus splice site are a relatively common cause of aberrant splicing (PMID: 17576681, 9536098). Algorithms developed to predict the effect of sequence changes on RNA splicing suggest that this variant is not likely to affect RNA splicing. In summary, the available evidence is currently insufficient to determine the role of this variant in disease. Therefore, it has been classified as a Variant of Uncertain Significance.

Literature cited by the submitters: PubMed 17576681; PubMed 9536098.